The following is an entry in ClinVar:

NM_033305.3(VPS13A):c.5884C>T (p.Arg1962Cys)

Gene: VPS13A (vacuolar protein sorting 13 homolog A; plus strand). Cytogenetic location: 9q21.2.
Variant type: single nucleotide variant.
Coding change: c.5884C>T on transcript NM_033305.3 (MANE Select); coding-DNA position 5884, C replaced by T.
Protein change: p.Arg1962Cys; replaces arginine 1962 with cysteine.
Molecular consequence: missense variant.
Genome position (GRCh38, 1-based): chr9:77,323,120, C>T. VCF-style: chr9-77323120-C-T. GRCh37 (hg19) VCF-style: chr9-79938036-C-T.
Other names: c.5767C>T, p.Arg1923Cys (NM_001018037.2); c.5884C>T, p.Arg1962Cys (NM_001018038.3, NM_015186.4); short protein forms R1962C, R1923C.
Identifiers: ClinVar variation 367395 (VCV000367395.70), dbSNP rs149694033, ClinGen allele CA5092885.

ClinVar aggregate classification (germline): Conflicting classifications of pathogenicity. Review status: criteria provided, conflicting classifications (1 of 4 stars). 16 submissions from 16 submitters: Uncertain significance (2); Benign (1); Likely benign (7). 6 of the submissions do not count toward it. Last evaluated 2026-07-01.

Conditions:
VPS13A-related disorder. Also called: VPS13A-related condition.
VPS13A-related neurodegenerative disease. Also called: Chorea-acanthocytosis; VPS13A Disease; Choreaacanthocytosis; ACANTHOCYTOSIS WITH NEUROLOGIC DISORDER; LEVINE-CRITCHLEY SYNDROME; Choreoacanthocytosis. Identifiers: Orphanet 2388, MedGen C0393576, MONDO:0008695, OMIM 200150.

Allele frequency attached by ClinVar (database versions not stated): 1000 Genomes Project 0.00319; ExAC 0.00351; 1000 Genomes Project 30x 0.00359; gnomAD exomes 0.00362 and 0.00506; TOPMed 0.00373; gnomAD 0.00388 and 0.00397; ESP Exome Variant Server 0.00461.
gnomAD v4.1: 7,991 of 1,613,306 alleles (0.5%); highest among the groups gnomAD compares: Non-Finnish European, 0.59%; 27 homozygotes.

Submissions (16):

CeGaT Center for Human Genetics Tuebingen
Classification: Likely benign. Last evaluated: 2026-07-01. Review status: criteria provided, single submitter. Criteria: CeGaT Center For Human Genetics Tuebingen Variant Classification Criteria Version 2. Collection method: clinical testing. Allele origin: germline. Affected: yes. Observed: 30 variant alleles.
Comment: VPS13A: BP4, BS2

Labcorp Genetics (formerly Invitae), Labcorp
Classification: Likely benign. Last evaluated: 2026-02-04. Review status: criteria provided, single submitter. Criteria: Invitae Variant Classification Sherloc (09022015). Collection method: clinical testing. Allele origin: germline.

Mayo Clinic Laboratories, Mayo Clinic
Classification: Likely benign. Last evaluated: 2024-12-09. Review status: criteria provided, single submitter. Criteria: ACMG Guidelines, 2015. Collection method: clinical testing. Allele origin: germline. Observed: 9 variant alleles.
Comment: BS1, BP4

Blueprint Genetics
Classification: Likely benign. Last evaluated: 2024-11-26. Review status: criteria provided, single submitter. Criteria: ACMG Guidelines, 2015. Collection method: clinical testing. Allele origin: germline.

GeneDx
Classification: Benign. Last evaluated: 2020-12-11. Review status: criteria provided, single submitter. Criteria: GeneDx Variant Classification Process June 2021. Collection method: clinical testing. Allele origin: germline. Affected: yes.

Department of Pathology and Laboratory Medicine, Sinai Health System
Classification: Likely benign for VPS13A-related neurodegenerative disease. Last evaluated: 2020-05-26. Review status: criteria provided, single submitter. Criteria: ACMG Guidelines, 2015. Collection method: research. Allele origin: germline.

Revvity Omics, Revvity
Classification: Uncertain significance for VPS13A-related neurodegenerative disease. Last evaluated: 2019-01-15. Review status: criteria provided, single submitter. Criteria: ACMG Guidelines, 2015. Collection method: clinical testing. Allele origin: germline.

Athena Diagnostics
Classification: Likely benign. Last evaluated: 2019-01-08. Review status: criteria provided, single submitter. Criteria: Athena Diagnostics Criteria. Collection method: clinical testing. Allele origin: germline.

Fulgent Genetics
Classification: Uncertain significance for VPS13A-related neurodegenerative disease. Last evaluated: 2018-10-31. Review status: criteria provided, single submitter. Criteria: ACMG Guidelines, 2015. Collection method: clinical testing. Allele origin: unknown.

Illumina Laboratory Services, Illumina
Classification: Likely benign for VPS13A-related neurodegenerative disease. Last evaluated: 2018-01-12. Review status: criteria provided, single submitter. Criteria: ICSL Variant Classification Criteria 13 December 2019. Collection method: clinical testing. Allele origin: germline.
Comment: This variant was observed in the ICSL laboratory as part of a predisposition screen in an ostensibly healthy population. It had not been previously curated by ICSL or reported in the Human Gene Mutation Database (HGMD: prior to June 1st, 2018), and was therefore a candidate for classification through an automated scoring system. Utilizing variant allele frequency, disease prevalence and penetrance estimates, and inheritance mode, an automated score was calculated to assess if this variant is too frequent to cause the disease. Based on the score and internal cut-off values, a variant classified as likely benign is not then subjected to further curation. The score for this variant resulted in a classification of likely benign for this disease.

Natera, Inc.
Classification: Benign for Choreaacanthocytosis. Last evaluated: 2020-01-02. Review status: no assertion criteria provided. Collection method: clinical testing. Allele origin: germline. Not counted in ClinVar's aggregate classification.

PreventionGenetics, part of Exact Sciences
Classification: Likely benign for VPS13A-related condition. Last evaluated: 2019-12-23. Review status: no assertion criteria provided. Collection method: clinical testing. Allele origin: germline. Not counted in ClinVar's aggregate classification.
Comment: This variant is classified as likely benign based on ACMG/AMP sequence variant interpretation guidelines (Richards et al. 2015 PMID: 25741868, with internal and published modifications).

Clinical Genetics DNA and cytogenetics Diagnostics Lab, Erasmus MC, Erasmus Medical Center
Classification: Likely benign. Review status: no assertion criteria provided. Collection method: clinical testing. Allele origin: germline. Affected: yes. Study: VKGL Data-share Consensus. Not counted in ClinVar's aggregate classification.

Diagnostic Laboratory, Department of Genetics, University Medical Center Groningen
Classification: Likely benign for VPS13A-related neurodegenerative disease. Review status: no assertion criteria provided. Collection method: clinical testing. Allele origin: germline. Affected: yes. Study: VKGL Data-share Consensus. Not counted in ClinVar's aggregate classification.

Genome Diagnostics Laboratory, Amsterdam University Medical Center
Classification: Benign. Review status: no assertion criteria provided. Collection method: clinical testing. Allele origin: germline. Affected: yes. Study: VKGL Data-share Consensus. Not counted in ClinVar's aggregate classification.

Laboratory of Diagnostic Genome Analysis, Leiden University Medical Center (LUMC)
Classification: Likely benign. Review status: no assertion criteria provided. Collection method: clinical testing. Allele origin: germline. Affected: yes. Study: VKGL Data-share Consensus. Not counted in ClinVar's aggregate classification.

Literature cited by the submitters: PubMed 37575640 (cited by Mayo Clinic Laboratories, Mayo Clinic).